The following is an entry in ClinVar:

ClinVar aggregate classification (germline): Uncertain significance (1 of 4 stars; one submission).

Conditions:
Combined immunodeficiency due to LRBA deficiency. Also called: Common variable immunodeficiency 8, with autoimmunity. Identifiers: Orphanet 445018, MedGen C3553512, MONDO:0013863, OMIM 614700.

Submission:

Labcorp Genetics (formerly Invitae), Labcorp
Classification: Uncertain significance for Combined immunodeficiency due to LRBA deficiency. Last evaluated: 2024-08-20. Review status: criteria provided, single submitter. Criteria: Invitae Variant Classification Sherloc (09022015). Collection method: clinical testing. Allele origin: germline.
Comment: This sequence change replaces glutamic acid, which is acidic and polar, with aspartic acid, which is acidic and polar, at codon 1861 of the LRBA protein (p.Glu1861Asp). This variant is not present in population databases (gnomAD no frequency). This variant has not been reported in the literature in individuals affected with LRBA-related conditions. An algorithm developed to predict the effect of missense changes on protein structure and function (PolyPhen-2) suggests that this variant is likely to be disruptive. In summary, the available evidence is currently insufficient to determine the role of this variant in disease. Therefore, it has been classified as a Variant of Uncertain Significance.

NM_001364905.1(LRBA):c.5583G>C (p.Glu1861Asp)

Gene: LRBA (LPS responsive beige-like anchor protein; minus strand). Cytogenetic location: 4q31.3.
Variant type: single nucleotide variant.
Coding change: c.5583G>C on transcript NM_001364905.1 (MANE Select); coding-DNA position 5583, G replaced by C.
Protein change: p.Glu1861Asp; replaces glutamic acid 1861 with aspartic acid.
Molecular consequence: missense variant.
Genome position (GRCh38, 1-based): chr4:150,761,845, C>G on the plus strand (G>C on the coding strand, the complement: LRBA is on the minus strand). VCF-style: chr4-150761845-C-G. GRCh37 (hg19) VCF-style: chr4-151682997-C-G.
Other names: c.5583G>C, p.Glu1861Asp (NM_001199282.3, NM_001367550.1, NM_006726.5); short protein forms E1861D.
Identifiers: ClinVar variation 3658438 (VCV003658438.2).